The following is an entry in ClinVar:

NM_001160372.4(TRAPPC9):c.2582A>G (p.Lys861Arg)

Gene: TRAPPC9 (trafficking protein particle complex subunit 9; minus strand). Cytogenetic location: 8q24.3.
Variant type: single nucleotide variant.
Coding change: c.2582A>G on transcript NM_001160372.4 (MANE Select); coding-DNA position 2582, A replaced by G.
Protein change: p.Lys861Arg; replaces lysine 861 with arginine.
Molecular consequence: missense variant. On other transcripts: non-coding transcript variant (1).
Genome position (GRCh38, 1-based): chr8:140,024,054, T>C on the plus strand (A>G on the coding strand, the complement: TRAPPC9 is on the minus strand). VCF-style: chr8-140024054-T-C. GRCh37 (hg19) VCF-style: chr8-141034151-T-C.
Other names: c.2555A>G, p.Lys852Arg (NM_001321646.2); c.2603A>G, p.Lys868Arg (NM_001374682.1); c.2582A>G, p.Lys861Arg (NM_001374683.1, NM_031466.8); c.2438A>G, p.Lys813Arg (NM_001374684.1); short protein forms K813R, K868R, K852R, K861R.
Identifiers: ClinVar variation 1920921 (VCV001920921.4), dbSNP rs752721528, ClinGen allele CA4893028.

ClinVar aggregate classification (germline): Uncertain significance (1 of 4 stars; one submission).

Allele frequency attached by ClinVar (database versions not stated): ExAC 0.00001; TOPMed 0.00001; gnomAD 0.00003; gnomAD exomes 0.00005.
gnomAD v4.1: 36 of 1,613,774 alleles (0.0022%); highest among the groups gnomAD compares: South Asian, 0.034%; no homozygotes.

Submission:

Labcorp Genetics (formerly Invitae), Labcorp
Classification: Uncertain significance. Last evaluated: 2022-11-01. Review status: criteria provided, single submitter. Criteria: Invitae Variant Classification Sherloc (09022015). Collection method: clinical testing. Allele origin: germline.
Comment: In summary, the available evidence is currently insufficient to determine the role of this variant in disease. Therefore, it has been classified as a Variant of Uncertain Significance. Algorithms developed to predict the effect of missense changes on protein structure and function are either unavailable or do not agree on the potential impact of this missense change (SIFT: "Not Available"; PolyPhen-2: "Benign"; Align-GVGD: "Not Available"). This variant has not been reported in the literature in individuals affected with TRAPPC9-related conditions. This variant is present in population databases (rs752721528, gnomAD 0.01%). This sequence change replaces lysine, which is basic and polar, with arginine, which is basic and polar, at codon 959 of the TRAPPC9 protein (p.Lys959Arg).